The following is an entry in ClinVar:

NM_007294.4(BRCA1):c.212+4T>A

Gene: BRCA1 (BRCA1 DNA repair associated; minus strand). Cytogenetic location: 17q21.31.
Variant type: single nucleotide variant.
Coding change: c.212+4T>A on transcript NM_007294.4 (MANE Select); 4 bases into the intron after coding-DNA position 212, T replaced by A.
Molecular consequence: intron variant.
Genome position (GRCh38, 1-based): chr17:43,106,452, A>T on the plus strand (T>A on the coding strand, the complement: BRCA1 is on the minus strand). VCF-style: chr17-43106452-A-T. GRCh37 (hg19) VCF-style: chr17-41258469-A-T.
Other names: IVS5+4T>A; c.135-1496T>A (NM_001407659.1, NM_001407662.1, NM_001408412.1 and 21 more transcripts); c.2+26T>A (NM_001408509.1, NM_001408508.1, NM_001408491.1 and 58 more transcripts); c.212+4T>A (NM_001408408.1, NM_001407647.1, NM_001408446.1 and 167 more transcripts); c.71+4T>A (NM_001408468.1, NM_001407842.1, NM_001407749.1 and 99 more transcripts); c.-218-11592T>A (NM_001407966.1, NM_001407967.1); c.-169-1496T>A (NM_001407963.1, NM_001407960.1, NM_001407965.1 and 4 more transcripts); c.81-1496T>A (NM_001408451.1).
Identifiers: ClinVar variation 91575 (VCV000091575.10), dbSNP rs398122652, ClinGen allele CA001415.

ClinVar aggregate classification (germline): Conflicting classifications of pathogenicity. Review status: criteria provided, conflicting classifications (1 of 4 stars). 3 submissions from 3 submitters: Uncertain significance (1); Benign (1). 1 of the submissions does not count toward it. Last evaluated 2026-02-16.

Conditions:
Hereditary cancer-predisposing syndrome. Also called: Hereditary Cancer Syndrome; Hereditary neoplastic syndrome; Neoplastic Syndromes, Hereditary; Tumor predisposition. Identifiers: Orphanet 140162, MedGen C0027672, MeSH D009386, MONDO:0015356.
Breast-ovarian cancer, familial, susceptibility to, 1 (BROVCA1). Also called: BRCA1 Hereditary Breast and Ovarian Cancer; OVARIAN CANCER, SUSCEPTIBILITY TO. Identifiers: Orphanet 145, MedGen C2676676, MONDO:0011450, OMIM 604370. Disease mechanism: loss of function.

Submissions (4):

Ambry Genetics
Classification: Benign for Hereditary cancer-predisposing syndrome. Last evaluated: 2026-02-16. Review status: criteria provided, single submitter. Criteria: Ambry Variant Classification Scheme 2023. Collection method: clinical testing. Allele origin: germline.

Women's Health and Genetics/Laboratory Corporation of America, LabCorp
Classification: Uncertain significance. Last evaluated: 2017-03-13. Review status: criteria provided, single submitter. Criteria: LabCorp Variant Classification Summary - May 2015. Collection method: clinical testing. Allele origin: germline.
Comment: Variant summary: The BRCA1 c.212+4T>A variant involves the alteration of a non-conserved intronic nucleotide that 5/5 splice prediction tools predict no significant impact on normal splicing, while ESE finder predicts the loss of a SRp55 binding motif. However, these predictions have yet to be confirmed by functional studies. This variant is absent in 114852 control chromosomes. One databases classified this variant as uncertain significance. The variant of interest has not, to our knowledge, been reported in affected individuals via publications ; nor evaluated for functional impact by in vivo/vitro studies. Because of the absence of clinical information and the lack of functional studies, the variant is classified as a variant of uncertain significance (VUS), until additional information becomes available.

Sharing Clinical Reports Project (SCRP)
Classification: Uncertain significance for Breast-ovarian cancer, familial 1. Last evaluated: 2010-10-06. Review status: no assertion criteria provided. Collection method: clinical testing. Allele origin: germline. Not counted in ClinVar's aggregate classification.

Brotman Baty Institute, University of Washington
No classification provided (evidence only). Condition: Breast-ovarian cancer, familial 1. Review status: no classification provided. Collection method: in vitro. Allele origin: not applicable. Functional consequence: functionally_normal. Not counted in ClinVar's aggregate classification.
ClinVar note: "not provided" was previously submitted as the classification for the variant. However, the classification appeared to be based only on an observation of functional data so it was converted to no classification on 2025-07-30.

Literature cited by the submitters: PubMed 30209399 (cited by Ambry Genetics).